The following is an entry in ClinVar:

NM_000350.3(ABCA4):c.4639A>T (p.Lys1547Ter)

Gene: ABCA4 (ATP binding cassette subfamily A member 4; minus strand). Cytogenetic location: 1p22.1.
Variant type: single nucleotide variant.
Coding change: c.4639A>T on transcript NM_000350.3 (MANE Select); coding-DNA position 4639, A replaced by T.
Protein change: p.Lys1547Ter; replaces lysine 1547 with a stop codon.
Molecular consequence: nonsense.
Genome position (GRCh38, 1-based): chr1:94,023,414, T>A on the plus strand (A>T on the coding strand, the complement: ABCA4 is on the minus strand). VCF-style: chr1-94023414-T-A. GRCh37 (hg19) VCF-style: chr1-94488970-T-A.
Other names: c.4417A>T, p.Lys1473Ter (NM_001425324.1); short protein forms K1547*, K1473*.
Identifiers: ClinVar variation 2504457 (VCV002504457.2), dbSNP rs1659954135, ClinGen allele CA341284266.

ClinVar aggregate classification (germline): Pathogenic (1 of 4 stars; one submission).

Submission:

GeneDx
Classification: Pathogenic. Last evaluated: 2025-02-19. Review status: criteria provided, single submitter. Criteria: GeneDx Variant Classification Process June 2021. Collection method: clinical testing. Allele origin: germline. Affected: yes.
Comment: Nonsense variant predicted to result in protein truncation or nonsense mediated decay in a gene for which loss of function is a known mechanism of disease; Not observed at significant frequency in large population cohorts (gnomAD); This variant is associated with the following publications: (PMID: 25139735, 21911583, 25283059, 35120629)